The following is an entry in ClinVar:

ClinVar aggregate classification (germline): Uncertain significance. Review status: criteria provided, multiple submitters, no conflicts (2 of 4 stars). 3 submissions from 3 submitters: Uncertain significance (3). Last evaluated 2021-08-13.

Conditions:
Hypertrophic cardiomyopathy 9. Also called: Familial hypertrophic cardiomyopathy 9. Identifiers: MedGen C1861065, MONDO:0013412, OMIM 613765.
Autosomal recessive limb-girdle muscular dystrophy type 2J (LGMDR10). Also called: Limb-girdle muscular dystrophy, type 2J; MUSCULAR DYSTROPHY, LIMB-GIRDLE, AUTOSOMAL RECESSIVE 10. Identifiers: Orphanet 140922, MedGen C1837342, MONDO:0012127, OMIM 608807.
Dilated cardiomyopathy 1G (CMD1G). Identifiers: Orphanet 154, MedGen C1858763, MONDO:0011400, OMIM 604145.
Tibial muscular dystrophy (TMD). Also called: UDD MYOPATHY; Udd Distal Myopathy – Tibial Muscular Dystrophy; Tibial muscular dystrophy, tardive. Identifiers: Orphanet 609, MedGen C1838244, MONDO:0010870, OMIM 600334.
Early-onset myopathy with fatal cardiomyopathy (CMYO5). Also called: CONGENITAL MYOPATHY 5 WITH CARDIOMYOPATHY; Salih Myopathy. Identifiers: Orphanet 289377, MedGen C2673677, MONDO:0012714, OMIM 611705. Disease mechanism: loss of function.
Myopathy, myofibrillar, 9, with early respiratory failure (MFM9). Also called: EDSTROM MYOPATHY; MYOPATHY, PROXIMAL, WITH EARLY RESPIRATORY MUSCLE INVOLVEMENT; Hereditary myopathy with early respiratory failure; Myopathy, distal, with early respiratory failure, autosomal dominant. Identifiers: Orphanet 178464, Orphanet 34521, MedGen C1863599, MONDO:0011362, OMIM 603689.

Allele frequency attached by ClinVar (database versions not stated): gnomAD exomes 0.00001.
gnomAD v4.1: 12 of 1,613,256 alleles (0.00074%); highest among the groups gnomAD compares: Non-Finnish European, 0.00085%; no homozygotes.

Submissions (3):

Fulgent Genetics
Classification: Uncertain significance for Tibial muscular dystrophy; Myopathy, myofibrillar, 9, with early respiratory failure; Dilated cardiomyopathy 1G; Autosomal recessive limb-girdle muscular dystrophy type 2J; Early-onset myopathy with fatal cardiomyopathy; Hypertrophic cardiomyopathy 9. Last evaluated: 2021-08-13. Review status: criteria provided, single submitter. Criteria: ACMG Guidelines, 2015. Collection method: clinical testing. Allele origin: unknown.

Revvity Omics, Revvity
Classification: Uncertain significance. Last evaluated: 2021-02-03. Review status: criteria provided, single submitter. Criteria: ACMG Guidelines, 2015. Collection method: clinical testing. Allele origin: germline.

Baylor Genetics
Classification: Uncertain significance for Myopathy, myofibrillar, 9, with early respiratory failure; Hypertrophic cardiomyopathy 9; Dilated cardiomyopathy 1G; Tibial muscular dystrophy; Autosomal recessive limb-girdle muscular dystrophy type 2J; Early-onset myopathy with fatal cardiomyopathy. Last evaluated: 2017-09-01. Review status: criteria provided, single submitter. Criteria: ACMG Guidelines, 2015. Collection method: clinical testing. Allele origin: maternal. Inheritance: Autosomal unknown.

Literature cited by the submitters: PubMed 25326635 (cited by Baylor Genetics).

NM_001267550.2(TTN):c.66416G>A (p.Gly22139Asp)

Genes: TTN (titin; minus strand), TTN-AS1 (TTN antisense RNA 1; plus strand). Cytogenetic location: 2q31.2.
Variant type: single nucleotide variant.
Coding change: c.66416G>A on transcript NM_001267550.2 (MANE Select); coding-DNA position 66416, G replaced by A.
Protein change: p.Gly22139Asp; replaces glycine 22139 with aspartic acid.
Molecular consequence: missense variant.
Genome position (GRCh38, 1-based): chr2:178,581,953, C>T on the plus strand (G>A on the coding strand, the complement: TTN is on the minus strand). VCF-style: chr2-178581953-C-T. GRCh37 (hg19) VCF-style: chr2-179446680-C-T.
Other names: c.61493G>A, p.Gly20498Asp (NM_001256850.1); c.39221G>A, p.Gly13074Asp (NM_003319.4); c.58712G>A, p.Gly19571Asp (NM_133378.4); c.39596G>A, p.Gly13199Asp (NM_133432.3); c.39797G>A, p.Gly13266Asp (NM_133437.4); short protein forms G19571D, G22139D, G13074D, G13266D, G13199D, G20498D.
Identifiers: ClinVar variation 561141 (VCV000561141.6), dbSNP rs1559507734, ClinGen allele CA349429184.
Genomic context (GRCh38, chr2:178,581,953, plus strand): 5'-CATGAACACTTACACTGAGGGTCCCGAGCATAAGCGGCCTTGGATGCGTCACTGGGTTTG[C>T]CTGGTCCAGCTTTATTTATAGCTGTAACACGGAACTCATATTCGGTACCTTCTTGAAGAC-3'
Protein context (NP_001254479.2, residues 22129-22149): RVTAINKAGP[Gly22139Asp]KPSDASKAAY